The following is an entry in ClinVar:

NM_000090.4(COL3A1):c.2959G>T (p.Gly987Cys)

Gene: COL3A1 (collagen type III alpha 1 chain; plus strand). Cytogenetic location: 2q32.2.
Variant type: single nucleotide variant.
Coding change: c.2959G>T on transcript NM_000090.4 (MANE Select); coding-DNA position 2959, G replaced by T.
Protein change: p.Gly987Cys; replaces glycine 987 with cysteine.
Molecular consequence: missense variant.
Genome position (GRCh38, 1-based): chr2:189,005,377, G>T. VCF-style: chr2-189005377-G-T. GRCh37 (hg19) VCF-style: chr2-189870103-G-T.
Other names: short protein forms G987C.
Identifiers: ClinVar variation 2725531 (VCV002725531.3), dbSNP rs587779583, ClinGen allele CA349844729.

ClinVar aggregate classification (germline): Likely pathogenic (1 of 4 stars; one submission).

Conditions:
Ehlers-Danlos syndrome, type 4 (EDSVASC). Also called: Ehlers-Danlos Syndrome Type IV; Ehlers-Danlos syndrome vascular type; Ehlers Danlos syndrome, ecchymotic type; Ehlers Danlos syndrome, arterial type; Ehlers Danlos syndrome, Sack-Barabas type. Identifiers: Orphanet 286, MedGen C0268338, MONDO:0017314, OMIM 130050.

Submission:

Labcorp Genetics (formerly Invitae), Labcorp
Classification: Likely pathogenic for Ehlers-Danlos syndrome, type 4. Last evaluated: 2025-08-23. Review status: criteria provided, single submitter. Criteria: Invitae Variant Classification Sherloc (09022015). Collection method: clinical testing. Allele origin: germline.
Comment: This sequence change replaces glycine, which is neutral and non-polar, with cysteine, which is neutral and slightly polar, at codon 987 of the COL3A1 protein (p.Gly987Cys). This variant is not present in population databases (gnomAD no frequency). This variant has not been reported in the literature in individuals affected with COL3A1-related conditions. ClinVar contains an entry for this variant (Variation ID: 2725531). Invitae Evidence Modeling of protein sequence and biophysical properties (such as structural, functional, and spatial information, amino acid conservation, physicochemical variation, residue mobility, and thermodynamic stability) indicates that this missense variant is expected to disrupt COL3A1 protein function with a positive predictive value of 95%. This variant disrupts the triple helix domain of COL3A1. Glycine residues within the Gly-Xaa-Yaa repeats of the triple helix domain are required for the structure and stability of fibrillar collagens (PMID: 7695699, 8218237, 19344236). In COL3A1, variants that affect these glycine residues are significantly enriched in individuals with disease (PMID: 24922459, 25758994) compared to the general population (ExAC). This variant disrupts the p.Gly987 amino acid residue in COL3A1. Other variant(s) that disrupt this residue have been observed in individuals with COL3A1-related conditions (PMID: 25758994), which suggests that this may be a clinically significant amino acid residue. In summary, the currently available evidence indicates that the variant is pathogenic, but additional data are needed to prove that conclusively. Therefore, this variant has been classified as Likely Pathogenic.

Literature cited by the submitters: PubMed 7695699; PubMed 8218237; PubMed 19344236; PubMed 24922459; PubMed 25758994.